The following is an entry in ClinVar:

ClinVar aggregate classification (germline): Likely benign (1 of 4 stars; one submission).

Allele frequency attached by ClinVar (database versions not stated): TOPMed 0.00008; gnomAD 0.00014; ESP Exome Variant Server 0.00015; 1000 Genomes Project 30x 0.00016; 1000 Genomes Project 0.00020; ExAC 0.00042.
gnomAD v4.1: 407 of 1,613,280 alleles (0.025%); highest among the groups gnomAD compares: South Asian, 0.22%; 5 homozygotes.

Submission:

CeGaT Center for Human Genetics Tuebingen
Classification: Likely benign. Last evaluated: 2024-02-01. Review status: criteria provided, single submitter. Criteria: CeGaT Center For Human Genetics Tuebingen Variant Classification Criteria Version 2. Collection method: clinical testing. Allele origin: germline. Affected: yes. Observed: 1 variant allele.
Comment: ZBTB45: BP4, BP7, BS2

NM_001316979.2(ZBTB45):c.645C>T (p.Asp215=)

Gene: ZBTB45 (zinc finger and BTB domain containing 45; minus strand). Cytogenetic location: 19q13.43.
Variant type: single nucleotide variant.
Coding change: c.645C>T on transcript NM_001316979.2 (MANE Select); coding-DNA position 645, C replaced by T.
Protein change: p.Asp215=; no amino-acid change (aspartic acid 215 retained).
Molecular consequence: synonymous variant.
Genome position (GRCh38, 1-based): chr19:58,517,029, G>A on the plus strand (C>T on the coding strand, the complement: ZBTB45 is on the minus strand). VCF-style: chr19-58517029-G-A. GRCh37 (hg19) VCF-style: chr19-59028396-G-A.
Other names: c.645C>T, p.Asp215= (NM_001316978.2, NM_001316981.2, NM_001316982.2 and 1 more transcripts).
Identifiers: ClinVar variation 3025515 (VCV003025515.22), dbSNP rs370064043, ClinGen allele CA9718597.